The following is an entry in ClinVar:

ClinVar aggregate classification (germline): Conflicting classifications of pathogenicity. Review status: criteria provided, conflicting classifications (1 of 4 stars). 3 submissions from 3 submitters: Uncertain significance (1); Likely benign (2). Last evaluated 2021-11-04.

Conditions:
Hypogonadotropic hypogonadism 1 with or without anosmia (HH1). Also called: DYSPLASIA OLFACTOGENITALIS OF DE MORSIER; HYPOGONADOTROPIC HYPOGONADISM 1 WITH ANOSMIA; HYPOGONADOTROPIC HYPOGONADISM AND ANOSMIA; KAL1-Related GnRH Deficiency (Kallmann Syndrome 1; Kallmann Syndrome, X-Linked); Kallmann syndrome, type 1, X-linked; Hypogonadotropic hypogonadism 1 with or without anosmia (Kallmann syndrome 1). Identifiers: Orphanet 478, MedGen C1563719, MONDO:0010635, OMIM 308700. Disease mechanism: loss of function.

Allele frequency attached by ClinVar (database versions not stated): gnomAD exomes 0.00001.
gnomAD v4.1: 9 of 1,207,150 alleles (0.00075%); highest among the groups gnomAD compares: Middle Eastern, 0.21%; no homozygotes.

Submissions (3):

Blueprint Genetics
Classification: Likely benign. Last evaluated: 2021-11-04. Review status: criteria provided, single submitter. Criteria: ACMG Guidelines, 2015. Collection method: clinical testing. Allele origin: germline.

Labcorp Genetics (formerly Invitae), Labcorp
Classification: Likely benign for Hypogonadotropic hypogonadism 1 with or without anosmia. Last evaluated: 2021-10-12. Review status: criteria provided, single submitter. Criteria: Invitae Variant Classification Sherloc (09022015). Collection method: clinical testing. Allele origin: germline.

Baylor Genetics
Classification: Uncertain significance for Hypogonadotropic hypogonadism 1 with or without anosmia. Last evaluated: 2019-09-06. Review status: criteria provided, single submitter. Criteria: ACMG Guidelines, 2015. Collection method: clinical testing. Allele origin: unknown. Affected: yes.
Comment: This variant was determined to be of uncertain significance according to ACMG Guidelines, 2015 [PMID:25741868].

NM_000216.4(ANOS1):c.1536G>A (p.Lys512=)

Gene: ANOS1 (anosmin 1; minus strand). Cytogenetic location: Xp22.31.
Variant type: single nucleotide variant.
Coding change: c.1536G>A on transcript NM_000216.4 (MANE Select); coding-DNA position 1536, G replaced by A.
Protein change: p.Lys512=; no amino-acid change (lysine 512 retained).
Molecular consequence: synonymous variant.
Genome position (GRCh38, 1-based): chrX:8,536,856, C>T on the plus strand (G>A on the coding strand, the complement: ANOS1 is on the minus strand). VCF-style: chrX-8536856-C-T. GRCh37 (hg19) VCF-style: chrX-8504897-C-T.
Identifiers: ClinVar variation 1029719 (VCV001029719.10), dbSNP rs1449749900, ClinGen allele CA515112663.